The following is an entry in ClinVar:

ClinVar aggregate classification (germline): Uncertain significance (1 of 4 stars; one submission).

Submission:

Labcorp Genetics (formerly Invitae), Labcorp
Classification: Uncertain significance. Last evaluated: 2025-07-14. Review status: criteria provided, single submitter. Criteria: Invitae Variant Classification Sherloc (09022015). Collection method: clinical testing. Allele origin: germline.
Comment: This sequence change replaces serine, which is neutral and polar, with cysteine, which is neutral and slightly polar, at codon 499 of the KLHL24 protein (p.Ser499Cys). This variant is not present in population databases (gnomAD no frequency). This variant has not been reported in the literature in individuals affected with KLHL24-related conditions. Invitae Evidence Modeling of protein sequence and biophysical properties (such as structural, functional, and spatial information, amino acid conservation, physicochemical variation, residue mobility, and thermodynamic stability) indicates that this missense variant is not expected to disrupt KLHL24 protein function with a negative predictive value of 80%. In summary, the available evidence is currently insufficient to determine the role of this variant in disease. Therefore, it has been classified as a Variant of Uncertain Significance.

NM_017644.3(KLHL24):c.1496C>G (p.Ser499Cys)

Gene: KLHL24 (kelch like family member 24; plus strand). Cytogenetic location: 3q27.1.
Variant type: single nucleotide variant.
Coding change: c.1496C>G on transcript NM_017644.3 (MANE Select); coding-DNA position 1496, C replaced by G.
Protein change: p.Ser499Cys; replaces serine 499 with cysteine.
Molecular consequence: missense variant. On other transcripts: non-coding transcript variant (2).
Genome position (GRCh38, 1-based): chr3:183,672,378, C>G. VCF-style: chr3-183672378-C-G. GRCh37 (hg19) VCF-style: chr3-183390166-C-G.
Other names: c.1571C>G, p.Ser524Cys (NM_001349413.1, NM_001349414.1, NM_001349415.1 and 3 more transcripts); c.1496C>G, p.Ser499Cys (NM_001349419.1, NM_001349420.1, NM_001349421.1 and 5 more transcripts); c.653C>G, p.Ser218Cys (NM_001349428.1, NM_001349429.1); short protein forms S499C, S218C, S524C.
Identifiers: ClinVar variation 4743217 (VCV004743217.1).
Genomic context (GRCh38, chr3:183,672,378, plus strand): 5'-CCAATTCTTGGCTACTTCGTGCAGCTATCCCAATTGCCAAAAGGTGTATAACAGCTGTAT[C>G]CCTAAACAACCTGATCTATGTTGCCGGTGGACTGACCAAGGCAATATACTGTTACGATCC-3'
Protein context (NP_060114.2, residues 489-509): PIAKRCITAV[Ser499Cys]LNNLIYVAGG